The following is an entry in ClinVar:

NM_001042492.3(NF1):c.5690G>T (p.Gly1897Val)

Gene: NF1 (neurofibromin 1; plus strand). Cytogenetic location: 17q11.2.
Variant type: single nucleotide variant.
Coding change: c.5690G>T on transcript NM_001042492.3 (MANE Select); coding-DNA position 5690, G replaced by T.
Protein change: p.Gly1897Val; replaces glycine 1897 with valine.
Molecular consequence: missense variant.
Genome position (GRCh38, 1-based): chr17:31,330,376, G>T. VCF-style: chr17-31330376-G-T. GRCh37 (hg19) VCF-style: chr17-29657394-G-T.
Other names: c.5627G>T, p.Gly1876Val (NM_000267.4); short protein forms G1876V, G1897V.
Identifiers: ClinVar variation 825855 (VCV000825855.13), dbSNP rs1597834751, ClinGen allele CA399010263.
Genomic context (GRCh38, chr17:31,330,376, plus strand): 5'-TGTGTGCCTTAACTTGTACCTTTAATTTAAAAATCGAGGGCCAGTTACTAGAGACATCAG[G>T]TTTATGTATCCCTGCCAACAACACCCTCTTTATTGTCTCTATTAGTAAGACACTGGCAGC-3'
Protein context (NP_001035957.1, residues 1887-1907): KIEGQLLETS[Gly1897Val]LCIPANNTLF

ClinVar aggregate classification (germline): Uncertain significance. Review status: criteria provided, multiple submitters, no conflicts (2 of 4 stars). 3 submissions from 3 submitters: Uncertain significance (3). Last evaluated 2026-04-28.

Conditions:
Hereditary cancer-predisposing syndrome. Also called: Tumor predisposition; Neoplastic Syndromes, Hereditary; Hereditary neoplastic syndrome; Hereditary Cancer Syndrome. Identifiers: Orphanet 140162, MedGen C0027672, MeSH D009386, MONDO:0015356.
Cardiovascular phenotype. Identifiers: MedGen CN230736.
Neurofibromatosis, type 1 (NF1). Also called: Peripheral type neurofibromatosis; Neurofibromatosis, type I; NEUROFIBROMATOSIS, TYPE I, SOMATIC; VON RECKLINGHAUSEN DISEASE. Identifiers: Orphanet 636, MedGen C0027831, MONDO:0018975, OMIM 162200. Disease mechanism: loss of function.

Submissions (3):

Ambry Genetics
Classification: Uncertain significance for Cardiovascular phenotype; Hereditary cancer-predisposing syndrome. Last evaluated: 2026-04-28. Review status: criteria provided, single submitter. Criteria: Ambry Variant Classification Scheme 2023. Collection method: clinical testing. Allele origin: germline.
Comment: The p.G1876V variant (also known as c.5627G>T), located in coding exon 38 of the NF1 gene, results from a G to T substitution at nucleotide position 5627. The glycine at codon 1876 is replaced by valine, an amino acid with dissimilar properties. This amino acid position is highly conserved in available vertebrate species. In addition, this alteration is predicted to be deleterious by in silico analysis. Based on the available evidence, the clinical significance of this variant remains unclear.

Genome-Nilou Lab
Classification: Uncertain significance for Neurofibromatosis, type 1. Last evaluated: 2022-03-15. Review status: criteria provided, single submitter. Criteria: ACMG Guidelines, 2015. Collection method: clinical testing. Allele origin: germline. Affected: no.

Labcorp Genetics (formerly Invitae), Labcorp
Classification: Uncertain significance for Neurofibromatosis, type 1. Last evaluated: 2019-03-21. Review status: criteria provided, single submitter. Criteria: Invitae Variant Classification Sherloc (09022015). Collection method: clinical testing. Allele origin: germline.
Comment: In summary, the available evidence is currently insufficient to determine the role of this variant in disease. Therefore, it has been classified as a Variant of Uncertain Significance. Algorithms developed to predict the effect of missense changes on protein structure and function are either unavailable or do not agree on the potential impact of this missense change (SIFT: "Tolerated"; PolyPhen-2: "Probably Damaging"; Align-GVGD: "Class C0"). This variant has not been reported in the literature in individuals with NF1-related conditions. This variant is not present in population databases (ExAC no frequency). This sequence change replaces glycine with valine at codon 1876 of the NF1 protein (p.Gly1876Val). The glycine residue is moderately conserved and there is a moderate physicochemical difference between glycine and valine.